The following is an entry in ClinVar:

ClinVar aggregate classification (germline): Likely benign (0 of 4 stars; one submission).

Conditions:
MED13L-related disorder. Also called: MED13L-related condition.

Submission:

PreventionGenetics, part of Exact Sciences
Classification: Likely benign for MED13L-related condition. Last evaluated: 2019-06-13. Review status: no assertion criteria provided. Collection method: clinical testing. Allele origin: germline.
Comment: This variant is classified as likely benign based on ACMG/AMP sequence variant interpretation guidelines (Richards et al. 2015 PMID: 25741868, with internal and published modifications).

NM_015335.5(MED13L):c.2013-7C>G

Gene: MED13L (mediator complex subunit 13L; minus strand). Cytogenetic location: 12q24.21.
Variant type: single nucleotide variant.
Coding change: c.2013-7C>G on transcript NM_015335.5 (MANE Select); 7 bases into the intron before coding-DNA position 2013, C replaced by G.
Molecular consequence: intron variant.
Genome position (GRCh38, 1-based): chr12:116,007,643, G>C on the plus strand (C>G on the coding strand, the complement: MED13L is on the minus strand). VCF-style: chr12-116007643-G-C. GRCh37 (hg19) VCF-style: chr12-116445448-G-C.
Identifiers: ClinVar variation 3041496 (VCV003041496.2), dbSNP rs199749418, ClinGen allele CA952185020.
Genomic context (GRCh38, chr12:116,007,643, plus strand): 5'-TGGGGCTGTTTGTCTTGCCAGATTTTAAACCGTTTGTTAGGTTGTGCTAAGAGTCTAAAA[G>C]ACAAAAAAAAAAAAAAAAAAAAGAGCATTTATGCCTTAAAGCATTTACAAAGTTTAAACT-3'